The following is an entry in ClinVar:

ClinVar aggregate classification (germline): Benign (1 of 4 stars; one submission).

Allele frequency attached by ClinVar (database versions not stated): gnomAD 0.29120 and 0.29044; TOPMed 0.29946; 1000 Genomes Project 0.33367; 1000 Genomes Project 30x 0.33573.
gnomAD v4.1: 44,088 of 151,412 alleles (29%); highest among the groups gnomAD compares: Admixed American, 41%; 6,703 homozygotes.

Submission:

GeneDx
Classification: Benign. Last evaluated: 2018-06-14. Review status: criteria provided, single submitter. Criteria: GeneDx Variant Classification (06012015). Collection method: clinical testing. Allele origin: germline. Affected: yes.
Comment: This variant is considered likely benign or benign based on one or more of the following criteria: it is a conservative change, it occurs at a poorly conserved position in the protein, it is predicted to be benign by multiple in silico algorithms, and/or has population frequency not consistent with disease.

NM_021939.4(FKBP10):c.391+181T>C

Gene: FKBP10 (FKBP prolyl isomerase 10; plus strand). Cytogenetic location: 17q21.2.
Variant type: single nucleotide variant.
Coding change: c.391+181T>C on transcript NM_021939.4 (MANE Select); 181 bases into the intron after coding-DNA position 391, T replaced by C.
Molecular consequence: intron variant.
Genome position (GRCh38, 1-based): chr17:41,817,384, T>C. VCF-style: chr17-41817384-T-C. GRCh37 (hg19) VCF-style: chr17-39973636-T-C.
Identifiers: ClinVar variation 669647 (VCV000669647.1), dbSNP rs2883070, ClinGen allele CA14449098.